The following is an entry in ClinVar:

ClinVar aggregate classification (germline): Likely benign. Review status: criteria provided, multiple submitters, no conflicts (2 of 4 stars). 2 submissions from 2 submitters: Likely benign (2). Last evaluated 2025-06-12.

Allele frequency attached by ClinVar (database versions not stated): ExAC 0.00057; gnomAD 0.00106; 1000 Genomes Project 30x 0.00109; TOPMed 0.00114; 1000 Genomes Project 0.00120; gnomAD exomes 0.00145; ESP Exome Variant Server 0.00161.
gnomAD v4.1: 2,322 of 1,614,168 alleles (0.14%); highest among the groups gnomAD compares: Non-Finnish European, 0.18%; 1 homozygote.

Submissions (2):

Labcorp Genetics (formerly Invitae), Labcorp
Classification: Likely benign. Last evaluated: 2025-06-12. Review status: criteria provided, single submitter. Criteria: Invitae Variant Classification Sherloc (09022015). Collection method: clinical testing. Allele origin: germline.

CeGaT Center for Human Genetics Tuebingen
Classification: Likely benign. Last evaluated: 2023-07-01. Review status: criteria provided, single submitter. Criteria: CeGaT Center For Human Genetics Tuebingen Variant Classification Criteria Version 2. Collection method: clinical testing. Allele origin: germline. Affected: yes. Observed: 1 variant allele.
Comment: NRIP1: BP4, BP7

NM_003489.4(NRIP1):c.480A>G (p.Gln160=)

Gene: NRIP1 (nuclear receptor interacting protein 1; minus strand). Cytogenetic location: 21q11.2.
Variant type: single nucleotide variant.
Coding change: c.480A>G on transcript NM_003489.4 (MANE Select); coding-DNA position 480, A replaced by G.
Protein change: p.Gln160=; no amino-acid change (glutamine 160 retained).
Molecular consequence: synonymous variant.
Genome position (GRCh38, 1-based): chr21:14,967,713, T>C on the plus strand (A>G on the coding strand, the complement: NRIP1 is on the minus strand). VCF-style: chr21-14967713-T-C. GRCh37 (hg19) VCF-style: chr21-16340034-T-C.
Identifiers: ClinVar variation 2046495 (VCV002046495.29), dbSNP rs149017808, ClinGen allele CA9981486.